The following is an entry in ClinVar:

ClinVar aggregate classification (germline): Uncertain significance (1 of 4 stars; one submission).

gnomAD v4.1: 1 of 1,613,564 alleles (0.000062%); highest among the groups gnomAD compares: East Asian, 0.0022%; no homozygotes.

Submission:

Labcorp Genetics (formerly Invitae), Labcorp
Classification: Uncertain significance. Last evaluated: 2024-04-08. Review status: criteria provided, single submitter. Criteria: Invitae Variant Classification Sherloc (09022015). Collection method: clinical testing. Allele origin: germline.
Comment: This sequence change falls in intron 6 of the MAPKAPK3 gene. It does not directly change the encoded amino acid sequence of the MAPKAPK3 protein. It affects a nucleotide within the consensus splice site. This variant is present in population databases (no rsID available, gnomAD 0.006%). This variant has not been reported in the literature in individuals affected with MAPKAPK3-related conditions. Variants that disrupt the consensus splice site are a relatively common cause of aberrant splicing (PMID: 17576681, 9536098). Algorithms developed to predict the effect of sequence changes on RNA splicing suggest that this variant is not likely to affect RNA splicing. In summary, the available evidence is currently insufficient to determine the role of this variant in disease. Therefore, it has been classified as a Variant of Uncertain Significance.

Literature cited by the submitters: PubMed 17576681; PubMed 9536098.

NM_001243925.2(MAPKAPK3):c.424+4T>A

Gene: MAPKAPK3 (MAPK activated protein kinase 3; plus strand). Cytogenetic location: 3p21.2.
Variant type: single nucleotide variant.
Coding change: c.424+4T>A on transcript NM_001243925.2 (MANE Select); 4 bases into the intron after coding-DNA position 424, T replaced by A.
Molecular consequence: intron variant.
Genome position (GRCh38, 1-based): chr3:50,641,775, T>A. VCF-style: chr3-50641775-T-A. GRCh37 (hg19) VCF-style: chr3-50679206-T-A.
Other names: c.424+4T>A (NM_001243926.2, NM_004635.5).
Identifiers: ClinVar variation 3692750 (VCV003692750.2).